The following is an entry in ClinVar:

NM_007294.4(BRCA1):c.4038A>C (p.Glu1346Asp)

Genes: BRCA1 (BRCA1 DNA repair associated; minus strand), LOC126862571 (BRD4-independent group 4 enhancer GRCh37_chr17:41243136-41244335; plus strand). Cytogenetic location: 17q21.31.
Variant type: single nucleotide variant.
Coding change: c.4038A>C on transcript NM_007294.4 (MANE Select); coding-DNA position 4038, A replaced by C.
Protein change: p.Glu1346Asp; replaces glutamic acid 1346 with aspartic acid.
Molecular consequence: missense variant. On other transcripts: intron variant (135).
Genome position (GRCh38, 1-based): chr17:43,091,493, T>G on the plus strand (A>C on the coding strand, the complement: BRCA1 is on the minus strand). VCF-style: chr17-43091493-T-G. GRCh37 (hg19) VCF-style: chr17-41243510-T-G.
Other names: c.578-461A>C (NM_001408483.1, NM_001408481.1, NM_001408480.1 and 9 more transcripts); c.665-461A>C (NM_001408442.1, NM_001408426.1, NM_001408436.1 and 12 more transcripts); c.788-461A>C (NM_001407982.1, NM_001407970.1, NM_001407980.1 and 17 more transcripts); c.3825A>C, p.Glu1275Asp (NM_001407571.1, NM_001407853.1, NM_001407894.1 and 9 more transcripts); c.4038A>C, p.Glu1346Asp (NM_001407581.1, NM_001407582.1, NM_001407583.1 and 30 more transcripts); c.4035A>C, p.Glu1345Asp (NM_001407587.1, NM_001407590.1, NM_001407591.1 and 22 more transcripts); c.4029A>C, p.Glu1343Asp (NM_001407646.1, NM_001407647.1); c.3915A>C, p.Glu1305Asp (NM_001407648.1, NM_001407664.1, NM_001407665.1 and 19 more transcripts); and 41 more; short protein forms E1346D, E1299D, E1235D, E1258D, E1278D, E1298D, E1319D, E1320D.
Identifiers: ClinVar variation 936376 (VCV000936376.13), dbSNP rs2053480824, ClinGen allele CA10593882.

ClinVar aggregate classification (germline): Conflicting classifications of pathogenicity. Review status: criteria provided, conflicting classifications (1 of 4 stars). 2 submissions from 2 submitters: Uncertain significance (1); Likely benign (1). Last evaluated 2023-03-23.

Conditions:
Hereditary breast ovarian cancer syndrome. Also called: BRCA1- and BRCA2-Associated Hereditary Breast and Ovarian Cancer; Hereditary breast and/or ovarian cancer syndrome; Hereditary breast and ovarian cancer syndrome; Hereditary breast and ovarian cancer; Breast and ovarian cancer; Hereditary breast and ovarian cancer syndrome (HBOC). Identifiers: Orphanet 145, MedGen C0677776, MeSH D061325, MONDO:0003582. Disease mechanism: loss of function.
Hereditary cancer-predisposing syndrome. Also called: Tumor predisposition; Hereditary neoplastic syndrome; Hereditary Cancer Syndrome; Neoplastic Syndromes, Hereditary. Identifiers: Orphanet 140162, MedGen C0027672, MeSH D009386, MONDO:0015356.

Submissions (2):

University of Washington Department of Laboratory Medicine, University of Washington
Classification: Likely benign for Hereditary cancer-predisposing syndrome. Last evaluated: 2023-03-23. Review status: criteria provided, single submitter. Criteria: Dines et al. (Genet Med. 2020). Collection method: curation. Allele origin: germline.
Comment: Missense variant in a coldspot region where missense variants are very unlikely to be pathogenic (PMID:31911673).

BRCA1 coldspot (exon 11 using historical exon numbering). Reclassification based on statistical prior probability

Labcorp Genetics (formerly Invitae), Labcorp
Classification: Uncertain significance for Hereditary breast ovarian cancer syndrome. Last evaluated: 2019-10-08. Review status: criteria provided, single submitter. Criteria: Invitae Variant Classification Sherloc (09022015). Collection method: clinical testing. Allele origin: germline.
Comment: Algorithms developed to predict the effect of missense changes on protein structure and function output the following: SIFT: "Tolerated"; PolyPhen-2: "Benign"; Align-GVGD: "Class C0". The aspartic acid amino acid residue is found in multiple mammalian species, suggesting that this missense change does not adversely affect protein function. These predictions have not been confirmed by published functional studies and their clinical significance is uncertain. In summary, the available evidence is currently insufficient to determine the role of this variant in disease. Therefore, it has been classified as a Variant of Uncertain Significance. This variant has not been reported in the literature in individuals with BRCA1-related conditions. This variant is not present in population databases (ExAC no frequency). This sequence change replaces glutamic acid with aspartic acid at codon 1346 of the BRCA1 protein (p.Glu1346Asp). The glutamic acid residue is moderately conserved and there is a small physicochemical difference between glutamic acid and aspartic acid.